The following is an entry in ClinVar:

ClinVar aggregate classification (germline): Pathogenic (0 of 4 stars; one submission).

Conditions:
Secondary microcephaly. Also called: Postnatal microcephaly. Identifiers: MedGen C0431352, HP:0005484.
Expressive language delay. Identifiers: MedGen C0454641, HP:0002474.
Global developmental delay (DD). Also called: Cognitive delay. Identifiers: MedGen C0557874, HP:0001263. Disease mechanism: loss of function.

Submission:

Baylor Genetics
Classification: Pathogenic for Secondary microcephaly; Expressive language delay; Global developmental delay. Last evaluated: 2017-07-03. Review status: no assertion criteria provided. Collection method: research. Allele origin: de novo. Inheritance: Autosomal dominant inheritance. Affected: yes. Study: BPTF_variants.

Literature cited by the submitters: PubMed 28942966.

NM_182641.4(BPTF):c.2982_2992+1del

Gene: BPTF (bromodomain PHD finger transcription factor; plus strand). Cytogenetic location: 17q24.2.
Variant type: Deletion.
Coding change: c.2982_2992+1del on transcript NM_182641.4 (MANE Select); coding-DNA position 2982 through the canonical splice donor site of the intron after coding-DNA position 2992, 12 bases deleted (GAAGGACCAAGG).
Molecular consequence: splice donor variant.
Genome position (GRCh38, 1-based): chr17:67,909,751-67,909,762, GAAGGACCAAGG deleted. VCF-style (leftmost placement, unchanged base first): chr17-67909750-AGAAGGACCAAGG-A. GRCh37 (hg19) VCF-style: chr17-65905866-AGAAGGACCAAGG-A.
Other names: c.3360_3370+1del (NM_004459.7).
Identifiers: ClinVar variation 431069 (VCV000431069.2), dbSNP rs1555649483, ClinGen allele CA658658701.